The following is an entry in ClinVar:

NM_203486.3(DLL3):c.616C>G (p.Pro206Ala)

Genes: DLL3 (delta like canonical Notch ligand 3; plus strand), LOC130064417 (ATAC-STARR-seq lymphoblastoid silent region 10608; plus strand). Cytogenetic location: 19q13.2.
Variant type: single nucleotide variant.
Coding change: c.616C>G on transcript NM_203486.3 (MANE Select); coding-DNA position 616, C replaced by G.
Protein change: p.Pro206Ala; replaces proline 206 with alanine.
Molecular consequence: missense variant.
Genome position (GRCh38, 1-based): chr19:39,503,021, C>G. VCF-style: chr19-39503021-C-G. GRCh37 (hg19) VCF-style: chr19-39993661-C-G.
Other names: c.616C>G, p.Pro206Ala (NM_016941.4); short protein forms P206A.
Identifiers: ClinVar variation 501672 (VCV000501672.29), dbSNP rs376905666, ClinGen allele CA9432219.

ClinVar aggregate classification (germline): Conflicting classifications of pathogenicity. Review status: criteria provided, conflicting classifications (1 of 4 stars). 8 submissions from 7 submitters: Uncertain significance (1); Benign (2); Likely benign (5). Last evaluated 2026-01-26.

Conditions:
Inborn genetic diseases. Identifiers: MedGen C0950123, MeSH D030342.
Spondylocostal dysostosis 1, autosomal recessive (SCDO1). Also called: DLL3-Related Spondylocostal Dysostosis, Autosomal Recessive. Identifiers: Orphanet 2311, MedGen CN032975, MONDO:0020692, OMIM 277300.
Syndactyly. Also called: Webbed fingers or toes. Identifiers: MedGen C0039075, MONDO:0021002, HP:0001159.

Allele frequency attached by ClinVar (database versions not stated): ESP Exome Variant Server 0.00053; 1000 Genomes Project 30x 0.00141; 1000 Genomes Project 0.00160; TOPMed 0.00323.
gnomAD v4.1: 868 of 1,511,922 alleles (0.057%); highest among the groups gnomAD compares: African/African-American, 1%; 6 homozygotes.

Submissions (8):

Labcorp Genetics (formerly Invitae), Labcorp
Classification: Benign. Last evaluated: 2026-01-26. Review status: criteria provided, single submitter. Criteria: Invitae Variant Classification Sherloc (09022015). Collection method: clinical testing. Allele origin: germline.

Blueprint Genetics
Classification: Likely benign. Last evaluated: 2024-09-18. Review status: criteria provided, single submitter. Criteria: ACMG Guidelines, 2015. Collection method: clinical testing. Allele origin: germline.

Ambry Genetics
Classification: Uncertain significance for Inborn genetic diseases. Last evaluated: 2024-04-20. Review status: criteria provided, single submitter. Criteria: Ambry Variant Classification Scheme 2023. Collection method: clinical testing. Allele origin: germline.

ARUP Laboratories, Molecular Genetics and Genomics, ARUP Laboratories
Classification: Likely benign for Spondylocostal dysostosis 1, autosomal recessive. Last evaluated: 2019-10-28. Review status: criteria provided, single submitter. Criteria: ARUP Molecular Germline Variant Investigation Process. Collection method: clinical testing. Allele origin: germline.

GeneDx
Classification: Likely benign. Last evaluated: 2019-03-07. Review status: criteria provided, single submitter. Criteria: GeneDx Variant Classification Process June 2021. Collection method: clinical testing. Allele origin: germline. Affected: yes.

Eurofins Ntd Llc (ga)
Classification: Likely benign. Last evaluated: 2017-06-22. Review status: criteria provided, single submitter. Criteria: EGL Classification Definitions 2015. Collection method: clinical testing. Allele origin: germline. Observed: 1 variant allele, 1 heterozygote.

Illumina Laboratory Services, Illumina
Classification: Benign for Non-syndromic syndactyly. Last evaluated: 2017-04-27. Review status: criteria provided, single submitter. Criteria: ICSL Variant Classification Criteria 13 December 2019. Collection method: clinical testing. Allele origin: germline.
Comment: This variant was observed as part of a predisposition screen in an ostensibly healthy population. A literature search was performed for the gene, cDNA change, and amino acid change (where applicable). No publications were found based on this search. Allele frequency data from public databases was too high to be consistent with this variant causing disease. Therefore, this variant is classified as benign.

Illumina Laboratory Services, Illumina
Classification: Likely benign for Spondylocostal dysostosis 1, autosomal recessive. Last evaluated: 2017-04-27. Review status: criteria provided, single submitter. Criteria: ICSL Variant Classification Criteria 13 December 2019. Collection method: clinical testing. Allele origin: germline.
Comment: This variant was observed as part of a predisposition screen in an ostensibly healthy population. A literature search was performed for the gene, cDNA change, and amino acid change (where applicable). No publications were found based on this search. Allele frequency data from public databases allowed determination this variant is unlikely to cause disease. Therefore, this variant is classified as likely benign.